The following is an entry in ClinVar:

NM_006237.4(POU4F1):c.431A>C (p.His144Pro)

Genes: OBI1-AS1 (OBI1 antisense RNA 1; plus strand), POU4F1 (POU class 4 homeobox 1; minus strand). Cytogenetic location: 13q31.1.
Variant type: single nucleotide variant.
Coding change: c.431A>C on transcript NM_006237.4 (MANE Select); coding-DNA position 431, A replaced by C.
Protein change: p.His144Pro; replaces histidine 144 with proline.
Molecular consequence: missense variant.
Genome position (GRCh38, 1-based): chr13:78,602,244, T>G on the plus strand (A>C on the coding strand, the complement: POU4F1 is on the minus strand). VCF-style: chr13-78602244-T-G. GRCh37 (hg19) VCF-style: chr13-79176379-T-G.
Other names: short protein forms H144P.
Identifiers: ClinVar variation 3336017 (VCV003336017.1).

ClinVar aggregate classification (germline): Uncertain significance (1 of 4 stars; one submission).

Submission:

Women's Health and Genetics/Laboratory Corporation of America, LabCorp
Classification: Uncertain significance. Last evaluated: 2024-05-13. Review status: criteria provided, single submitter. Criteria: LabCorp Variant Classification Summary - May 2015. Collection method: clinical testing. Allele origin: germline.
Comment: Variant summary: POU4F1 c.431A>C (p.His144Pro) results in a non-conservative amino acid change in the encoded protein sequence. Three of five in-silico tools predict a damaging effect of the variant on protein function. The frequency data for this variant in gnomAD is considered unreliable, as metrics indicate poor data quality at this position. To our knowledge, no occurrence of c.431A>C in individuals affected with Ataxia, Intention Tremor, And Hypotonia Syndrome, Childhood-Onset and no experimental evidence demonstrating its impact on protein function have been reported. No submitters have cited clinical-significance assessments for this variant to ClinVar. Based on the evidence outlined above, the variant was classified as uncertain significance.